The following is an entry in ClinVar:

NM_006947.4(SRP72):c.413A>G (p.Asn138Ser)

Gene: SRP72 (signal recognition particle 72; plus strand). Cytogenetic location: 4q12.
Variant type: single nucleotide variant.
Coding change: c.413A>G on transcript NM_006947.4 (MANE Select); coding-DNA position 413, A replaced by G.
Protein change: p.Asn138Ser; replaces asparagine 138 with serine.
Molecular consequence: missense variant. On other transcripts: non-coding transcript variant (1).
Genome position (GRCh38, 1-based): chr4:56,474,112, A>G. VCF-style: chr4-56474112-A-G. GRCh37 (hg19) VCF-style: chr4-57340278-A-G.
Other names: c.413A>G, p.Asn138Ser (NM_001267722.2); short protein forms N138S.
Identifiers: ClinVar variation 3801444 (VCV003801444.1).

ClinVar aggregate classification (germline): Uncertain significance (1 of 4 stars; one submission).

Submission:

Ambry Genetics
Classification: Uncertain significance. Last evaluated: 2025-01-14. Review status: criteria provided, single submitter. Criteria: Ambry Variant Classification Scheme 2023. Collection method: clinical testing. Allele origin: germline.
Comment: The p.N138S variant (also known as c.413A>G), located in coding exon 4 of the SRP72 gene, results from an A to G substitution at nucleotide position 413. The asparagine at codon 138 is replaced by serine, an amino acid with highly similar properties. This amino acid position is conserved. In addition, this alteration is predicted to be tolerated by in silico analysis. Based on the available evidence, the clinical significance of this variant remains unclear.